The following is an entry in ClinVar:

NM_001813.3(CENPE):c.7602C>T (p.Ser2534=)

Gene: CENPE (centromere protein E; minus strand). Cytogenetic location: 4q24.
Variant type: single nucleotide variant.
Coding change: c.7602C>T on transcript NM_001813.3 (MANE Select); coding-DNA position 7602, C replaced by T.
Protein change: p.Ser2534=; no amino-acid change (serine 2534 retained).
Molecular consequence: synonymous variant.
Genome position (GRCh38, 1-based): chr4:103,110,950, G>A on the plus strand (C>T on the coding strand, the complement: CENPE is on the minus strand). VCF-style: chr4-103110950-G-A. GRCh37 (hg19) VCF-style: chr4-104032107-G-A.
Other names: c.7239C>T, p.Ser2413= (NM_001286734.2).
Identifiers: ClinVar variation 434692 (VCV000434692.19), dbSNP rs148582447, ClinGen allele CA3029096.

ClinVar aggregate classification (germline): Benign/Likely benign. Review status: criteria provided, multiple submitters, no conflicts (2 of 4 stars). 6 submissions from 6 submitters: Benign (1); Likely benign (5). Last evaluated 2026-10-01.

Allele frequency attached by ClinVar (database versions not stated): gnomAD 0.00154 and 0.00156; TOPMed 0.00182; ExAC 0.00193; gnomAD exomes 0.00194; ESP Exome Variant Server 0.00208; 1000 Genomes Project 0.00220; 1000 Genomes Project 30x 0.00234.

Submissions (6):

CeGaT Center for Human Genetics Tuebingen
Classification: Likely benign. Last evaluated: 2026-10-01. Review status: criteria provided, single submitter. Criteria: CeGaT Center For Human Genetics Tuebingen Variant Classification Criteria Version 2. Collection method: clinical testing. Allele origin: germline. Affected: yes. Observed: 4 variant alleles.
Comment: CENPE: BP4, BP7

Blueprint Genetics
Classification: Likely benign. Last evaluated: 2024-11-25. Review status: criteria provided, single submitter. Criteria: ACMG Guidelines, 2015. Collection method: clinical testing. Allele origin: germline.

GeneDx
Classification: Likely benign. Last evaluated: 2021-04-15. Review status: criteria provided, single submitter. Criteria: GeneDx Variant Classification Process June 2021. Collection method: clinical testing. Allele origin: germline. Affected: yes.

Labcorp Genetics (formerly Invitae), Labcorp
Classification: Benign. Last evaluated: 2019-12-31. Review status: criteria provided, single submitter. Criteria: Invitae Variant Classification Sherloc (09022015). Collection method: clinical testing. Allele origin: germline.

Genetic Services Laboratory, University of Chicago
Classification: Likely benign. Last evaluated: 2017-04-05. Review status: criteria provided, single submitter. Criteria: ACMG Guidelines, 2015. Collection method: clinical testing. Allele origin: germline. Affected: no.

Breakthrough Genomics
Classification: Likely benign. Review status: criteria provided, single submitter. Criteria: ACMG Guidelines, 2015. Collection method: not provided. Allele origin: germline. Inheritance: Autosomal recessive inheritance. Affected: yes.